The following is an entry in ClinVar:

NM_003737.4(DCHS1):c.5531C>T (p.Thr1844Ile)

Gene: DCHS1 (dachsous cadherin-related 1; minus strand). Cytogenetic location: 11p15.4.
Variant type: single nucleotide variant.
Coding change: c.5531C>T on transcript NM_003737.4 (MANE Select); coding-DNA position 5531, C replaced by T.
Protein change: p.Thr1844Ile; replaces threonine 1844 with isoleucine.
Molecular consequence: missense variant.
Genome position (GRCh38, 1-based): chr11:6,627,508, G>A on the plus strand (C>T on the coding strand, the complement: DCHS1 is on the minus strand). VCF-style: chr11-6627508-G-A. GRCh37 (hg19) VCF-style: chr11-6648739-G-A.
Other names: short protein forms T1844I.
Identifiers: ClinVar variation 2232033 (VCV002232033.4), dbSNP rs372538058, ClinGen allele CA5860070.

ClinVar aggregate classification (germline): Uncertain significance. Review status: criteria provided, multiple submitters, no conflicts (2 of 4 stars). 2 submissions from 2 submitters: Uncertain significance (2). Last evaluated 2025-11-06.

Conditions:
Inborn genetic diseases. Identifiers: MedGen C0950123, MeSH D030342.

Allele frequency attached by ClinVar (database versions not stated): ExAC 0.00003; gnomAD 0.00005; TOPMed 0.00006; ESP Exome Variant Server 0.00015.
gnomAD v4.1: 13 of 1,612,150 alleles (0.00081%); highest among the groups gnomAD compares: African/African-American, 0.016%; no homozygotes.

Submissions (2):

Labcorp Genetics (formerly Invitae), Labcorp
Classification: Uncertain significance. Last evaluated: 2025-11-06. Review status: criteria provided, single submitter. Criteria: Invitae Variant Classification Sherloc (09022015). Collection method: clinical testing. Allele origin: germline.
Comment: This sequence change replaces threonine, which is neutral and polar, with isoleucine, which is neutral and non-polar, at codon 1844 of the DCHS1 protein (p.Thr1844Ile). This variant is present in population databases (rs372538058, gnomAD 0.03%). This variant has not been reported in the literature in individuals affected with DCHS1-related conditions. ClinVar contains an entry for this variant (Variation ID: 2232033). Invitae Evidence Modeling of protein sequence and biophysical properties (such as structural, functional, and spatial information, amino acid conservation, physicochemical variation, residue mobility, and thermodynamic stability) indicates that this missense variant is not expected to disrupt DCHS1 protein function with a negative predictive value of 95%. In summary, the available evidence is currently insufficient to determine the role of this variant in disease. Therefore, it has been classified as a Variant of Uncertain Significance.

Ambry Genetics
Classification: Uncertain significance for Inborn genetic diseases. Last evaluated: 2021-06-11. Review status: criteria provided, single submitter. Criteria: Ambry Variant Classification Scheme 2023. Collection method: clinical testing. Allele origin: germline.